The following is an entry in ClinVar:

NM_144997.7(FLCN):c.1066C>G (p.Leu356Val)

Gene: FLCN (folliculin; minus strand). Cytogenetic location: 17p11.2.
Variant type: single nucleotide variant.
Coding change: c.1066C>G on transcript NM_144997.7 (MANE Select); coding-DNA position 1066, C replaced by G.
Protein change: p.Leu356Val; replaces leucine 356 with valine.
Molecular consequence: missense variant.
Genome position (GRCh38, 1-based): chr17:17,217,179, G>C on the plus strand (C>G on the coding strand, the complement: FLCN is on the minus strand). VCF-style: chr17-17217179-G-C. GRCh37 (hg19) VCF-style: chr17-17120493-G-C.
Other names: c.1066C>G (LRG_325t1); c.1120C>G, p.Leu374Val (NM_001353229.2); c.1066C>G, p.Leu356Val (NM_001353230.2, NM_001353231.2); short protein forms L356V, L374V.
Identifiers: ClinVar variation 581992 (VCV000581992.19), dbSNP rs757313788, ClinGen allele CA8416144.
Genomic context (GRCh38, chr17:17,217,179, plus strand): 5'-AGATCACCTGGTTCCCCATGAGAACGTGCCAGGCCAGCATGCGGAAAGAAGGGGCACCCA[G>C]GACCTAAACAAGAGAGTGCAGTGCTTTCAGCGTGACTAGTAGAAATGGTTTTTCTCTCCC-3'
Protein context (NP_659434.2, residues 346-366): FKSLRHMRQV[Leu356Val]GAPSFRMLAW

ClinVar aggregate classification (germline): Conflicting classifications of pathogenicity. Review status: criteria provided, conflicting classifications (1 of 4 stars). 6 submissions from 6 submitters: Uncertain significance (4); Likely benign (2). Last evaluated 2026-01-28.

Conditions:
Birt-Hogg-Dube syndrome. Also called: Birt Hogg Dubé syndrome. Identifiers: Orphanet 122, MedGen C0346010, MONDO:0800444.
Hereditary cancer-predisposing syndrome. Also called: Neoplastic Syndromes, Hereditary; Hereditary Cancer Syndrome; Tumor predisposition; Hereditary neoplastic syndrome. Identifiers: Orphanet 140162, MedGen C0027672, MeSH D009386, MONDO:0015356.
Birt-Hogg-Dube syndrome 1 (BHD1). Also called: FIBROFOLLICULOMAS WITH TRICHODISCOMAS AND ACROCHORDONS. Identifiers: Orphanet 122, MedGen CN375946, MONDO:0800445, OMIM 135150.

Allele frequency attached by ClinVar (database versions not stated): gnomAD 0.00003; TOPMed 0.00003; ExAC 0.00004.
gnomAD v4.1: 21 of 1,610,372 alleles (0.0013%); highest among the groups gnomAD compares: Admixed American, 0.0017%; no homozygotes.

Submissions (6):

Labcorp Genetics (formerly Invitae), Labcorp
Classification: Uncertain significance for Birt-Hogg-Dube syndrome. Last evaluated: 2026-01-28. Review status: criteria provided, single submitter. Criteria: Invitae Variant Classification Sherloc (09022015). Collection method: clinical testing. Allele origin: germline.
Comment: This sequence change replaces leucine, which is neutral and non-polar, with valine, which is neutral and non-polar, at codon 356 of the FLCN protein (p.Leu356Val). This variant is present in population databases (rs757313788, gnomAD 0.04%). This variant has not been reported in the literature in individuals affected with FLCN-related conditions. ClinVar contains an entry for this variant (Variation ID: 581992). Invitae Evidence Modeling of protein sequence and biophysical properties (such as structural, functional, and spatial information, amino acid conservation, physicochemical variation, residue mobility, and thermodynamic stability) indicates that this missense variant is not expected to disrupt FLCN protein function with a negative predictive value of 80%. In summary, the available evidence is currently insufficient to determine the role of this variant in disease. Therefore, it has been classified as a Variant of Uncertain Significance.

Myriad Genetics, Inc.
Classification: Likely benign for Birt-Hogg-Dube syndrome 1. Last evaluated: 2025-10-24. Review status: criteria provided, single submitter. Criteria: Myriad Autosomal Dominant, Autosomal Recessive and X-Linked Classification Criteria (2023). Collection method: clinical testing. Allele origin: unknown.
Comment: This variant is considered likely benign. Homozygosity has been confirmed in one or more individuals. As homozygosity for pathogenic variants in this gene is generally assumed to result in embryonic lethality, this variant is unlikely to be pathogenic.

Ambry Genetics
Classification: Likely benign for Hereditary cancer-predisposing syndrome. Last evaluated: 2025-09-10. Review status: criteria provided, single submitter. Criteria: Ambry Variant Classification Scheme 2023. Collection method: clinical testing. Allele origin: germline.

Women's Health and Genetics/Laboratory Corporation of America, LabCorp
Classification: Uncertain significance. Last evaluated: 2025-07-28. Review status: criteria provided, single submitter. Criteria: LabCorp Variant Classification Summary - May 2015. Collection method: clinical testing. Allele origin: germline.
Comment: Variant summary: FLCN c.1066C>G (p.Leu356Val) results in a conservative amino acid change in the encoded protein sequence. Algorithms developed to predict the effect of missense changes on protein structure and function are either unavailable or do not agree on the potential impact of this missense change. The variant allele was found at a frequency of 2.8e-05 in 249988 control chromosomes. The available data on variant occurrences in the general population are insufficient to allow any conclusion about variant significance. To our knowledge, no occurrence of c.1066C>G in individuals affected with Birt-Hogg-Dube Syndrome and no experimental evidence demonstrating its impact on protein function have been reported. ClinVar contains an entry for this variant (Variation ID: 581992). Based on the evidence outlined above, the variant was classified as uncertain significance.

Baylor Genetics
Classification: Uncertain significance for Birt-Hogg-Dube syndrome 1. Last evaluated: 2024-03-10. Review status: criteria provided, single submitter. Criteria: ACMG Guidelines, 2015. Collection method: clinical testing. Allele origin: unknown.

GeneDx
Classification: Uncertain significance. Last evaluated: 2023-01-06. Review status: criteria provided, single submitter. Criteria: GeneDx Variant Classification Process June 2021. Collection method: clinical testing. Allele origin: germline. Affected: yes.
Comment: In silico analysis supports that this missense variant does not alter protein structure/function; Has not been previously published as pathogenic or benign to our knowledge; This variant is associated with the following publications: (PMID: 17028174)